The following is an entry in ClinVar:

NM_006904.7(PRKDC):c.9676G>A (p.Asp3226Asn)

Gene: PRKDC (protein kinase, DNA-activated, catalytic subunit; minus strand). Cytogenetic location: 8q11.21.
Variant type: single nucleotide variant.
Coding change: c.9676G>A on transcript NM_006904.7 (MANE Select); coding-DNA position 9676, G replaced by A.
Protein change: p.Asp3226Asn; replaces aspartic acid 3226 with asparagine.
Molecular consequence: missense variant.
Genome position (GRCh38, 1-based): chr8:47,807,208, C>T on the plus strand (G>A on the coding strand, the complement: PRKDC is on the minus strand). VCF-style: chr8-47807208-C-T. GRCh37 (hg19) VCF-style: chr8-48719769-C-T.
Other names: c.9676G>A, p.Asp3226Asn (NM_001081640.2); short protein forms D3226N.
Identifiers: ClinVar variation 1989661 (VCV001989661.4), dbSNP rs140508037, ClinGen allele CA4739515.

ClinVar aggregate classification (germline): Uncertain significance (1 of 4 stars; one submission).

Conditions:
Severe combined immunodeficiency due to DNA-PKcs deficiency. Also called: Immunodeficiency 26 with or without neurologic abnormalities; IMMUNODEFICIENCY 26 WITH NEUROLOGIC ABNORMALITIES. Identifiers: Orphanet 317425, MedGen C4014833, MONDO:0014423, OMIM 615966.

Allele frequency attached by ClinVar (database versions not stated): gnomAD exomes below 0.00001; ExAC 0.00001; gnomAD 0.00002; TOPMed 0.00002; 1000 Genomes Project 30x 0.00031; 1000 Genomes Project 0.00040.
gnomAD v4.1: 4 of 1,613,930 alleles (0.00025%); highest among the groups gnomAD compares: Admixed American, 0.005%; no homozygotes.

Submission:

Labcorp Genetics (formerly Invitae), Labcorp
Classification: Uncertain significance for Severe combined immunodeficiency due to DNA-PKcs deficiency. Last evaluated: 2022-05-14. Review status: criteria provided, single submitter. Criteria: Invitae Variant Classification Sherloc (09022015). Collection method: clinical testing. Allele origin: germline.
Comment: In summary, the available evidence is currently insufficient to determine the role of this variant in disease. Therefore, it has been classified as a Variant of Uncertain Significance. Experimental studies and prediction algorithms are not available or were not evaluated, and the functional significance of this variant is currently unknown. This variant has not been reported in the literature in individuals affected with PRKDC-related conditions. This variant is present in population databases (rs140508037, gnomAD 0.007%). This sequence change replaces aspartic acid, which is acidic and polar, with asparagine, which is neutral and polar, at codon 3226 of the PRKDC protein (p.Asp3226Asn).